The following is an entry in ClinVar:

ClinVar aggregate classification (germline): Uncertain significance (1 of 4 stars; one submission).

Submission:

Labcorp Genetics (formerly Invitae), Labcorp
Classification: Uncertain significance. Last evaluated: 2021-12-30. Review status: criteria provided, single submitter. Criteria: Invitae Variant Classification Sherloc (09022015). Collection method: clinical testing. Allele origin: germline.
Comment: In summary, the available evidence is currently insufficient to determine the role of this variant in disease. Therefore, it has been classified as a Variant of Uncertain Significance. This variant has not been reported in the literature in individuals affected with ANKZF1-related conditions. This variant is present in population databases (rs747575003, gnomAD 0.006%). This sequence change creates a premature translational stop signal (p.Ser30Argfs*66) in the ANKZF1 gene. It is expected to result in an absent or disrupted protein product. However, the current clinical and genetic evidence is not sufficient to establish whether loss-of-function variants in ANKZF1 cause disease.

NM_018089.3(ANKZF1):c.88_103del (p.Ser30fs)

Gene: ANKZF1 (ankyrin repeat and zinc finger peptidyl tRNA hydrolase 1; plus strand). Cytogenetic location: 2q35.
Variant type: Deletion.
Coding change: c.88_103del on transcript NM_018089.3 (MANE Select); coding-DNA positions 88 to 103, 16 bases deleted (AGCCTGGTGAGCCACG).
Protein change: p.Ser30fs; shifts the reading frame from serine 30.
Molecular consequence: frameshift variant. On other transcripts: intron variant (1).
Genome position (GRCh38, 1-based): chr2:219,230,345-219,230,360, AGCCTGGTGAGCCACG deleted; deleting any 16 consecutive bases within chr2:219,230,344-219,230,360 gives the same sequence; the c. name uses the placement nearest the transcript's 3' end. VCF-style (leftmost placement, unchanged base first): chr2-219230343-TGAGCCTGGTGAGCCAC-T. GRCh37 (hg19) VCF-style: chr2-220095065-TGAGCCTGGTGAGCCAC-T.
Other names: c.88_103del, p.Ser30fs (NM_001042410.2); c.-267+445_-267+460del (NM_001282792.2); short protein forms S30fs.
Identifiers: ClinVar variation 2067007 (VCV002067007.4), dbSNP rs747575003, ClinGen allele CA2120600.